The following is an entry in ClinVar:

ClinVar aggregate classification (germline): Likely benign (1 of 4 stars; one submission).

Submission:

CeGaT Center for Human Genetics Tuebingen
Classification: Likely benign. Last evaluated: 2026-05-01. Review status: criteria provided, single submitter. Criteria: CeGaT Center For Human Genetics Tuebingen Variant Classification Criteria Version 2. Collection method: clinical testing. Allele origin: germline. Affected: yes. Observed: 1 variant allele.
Comment: FMN2: BP4, BP7

NM_020066.5(FMN2):c.2745T>A (p.Leu915=)

Gene: FMN2 (formin 2; plus strand). Cytogenetic location: 1q43.
Variant type: single nucleotide variant.
Coding change: c.2745T>A on transcript NM_020066.5 (MANE Select); coding-DNA position 2745, T replaced by A.
Protein change: p.Leu915=; no amino-acid change (leucine 915 retained).
Molecular consequence: synonymous variant. On other transcripts: intron variant (1).
Genome position (GRCh38, 1-based): chr1:240,207,557, T>A. VCF-style: chr1-240207557-T-A. GRCh37 (hg19) VCF-style: chr1-240370857-T-A.
Other names: c.2757T>A, p.Leu919= (NM_001305424.2); c.1986+19295T>A (NM_001348094.2).
Identifiers: ClinVar variation 4872907 (VCV004872907.2).